The following is an entry in ClinVar:

ClinVar aggregate classification (germline): Uncertain significance (1 of 4 stars; one submission).

Conditions:
SH2B1-related disorder. Also called: SH2B1-related condition.

gnomAD v4.1: 15 of 1,580,208 alleles (0.00095%); highest among the groups gnomAD compares: Non-Finnish European, 0.0011%; no homozygotes.

Submission:

PreventionGenetics, part of Exact Sciences
Classification: Uncertain significance for SH2B1-related condition. Last evaluated: 2026-07-13. Review status: criteria provided, single submitter. Criteria: ACMG Guidelines, 2015. Collection method: clinical testing. Allele origin: germline.
Comment: The SH2B1 c.1967G>T variant is predicted to result in the amino acid substitution p.Gly656Val. To our knowledge, this variant has not been reported in the literature. This variant is reported in 0.00090% of alleles in individuals of European (Non-Finnish) descent in gnomAD. At this time, the clinical significance of this variant is uncertain due to the absence of conclusive functional and genetic evidence.

NM_001387430.1(SH2B1):c.1898-261G>T

Gene: SH2B1 (SH2B adaptor protein 1; plus strand). Cytogenetic location: 16p11.2.
Variant type: single nucleotide variant.
Coding change: c.1898-261G>T on transcript NM_001387430.1 (MANE Select); 261 bases into the intron before coding-DNA position 1898, G replaced by T.
Molecular consequence: intron variant. On other transcripts: synonymous variant (4), missense variant (1).
Genome position (GRCh38, 1-based): chr16:28,873,186, G>T. VCF-style: chr16-28873186-G-T. GRCh37 (hg19) VCF-style: chr16-28884507-G-T.
Other names: c.1914G>T, p.Gly638= (NM_001145796.2, NM_001145812.2, NM_015503.3); c.1967G>T, p.Gly656Val (NM_001145797.2); c.906G>T, p.Gly302= (NM_001308294.2); c.1898-261G>T (NM_001308293.2, NM_001387404.1, NM_001145795.2); short protein forms G656V.
Identifiers: ClinVar variation 4992535 (VCV004992535.1).